The following is an entry in ClinVar:

NM_015335.5(MED13L):c.745A>T (p.Lys249Ter)

Gene: MED13L (mediator complex subunit 13L; minus strand). Cytogenetic location: 12q24.21.
Variant type: single nucleotide variant.
Coding change: c.745A>T on transcript NM_015335.5 (MANE Select); coding-DNA position 745, A replaced by T.
Protein change: p.Lys249Ter; replaces lysine 249 with a stop codon.
Molecular consequence: nonsense.
Genome position (GRCh38, 1-based): chr12:116,019,853, T>A on the plus strand (A>T on the coding strand, the complement: MED13L is on the minus strand). VCF-style: chr12-116019853-T-A. GRCh37 (hg19) VCF-style: chr12-116457658-T-A.
Other names: short protein forms K249*.
Identifiers: ClinVar variation 931710 (VCV000931710.3), dbSNP rs1879951118, ClinGen allele CA386870981.

ClinVar aggregate classification (germline): Likely pathogenic (1 of 4 stars; one submission).

Conditions:
Cardiac anomalies - developmental delay - facial dysmorphism syndrome (MRFACD). Also called: MED13L Syndrome; Impaired intellectual development and distinctive facial features with or without cardiac defects. Identifiers: Orphanet 369891, MedGen C5192431, MONDO:0014773, OMIM 616789.

Submission:

Centre for Mendelian Genomics, University Medical Centre Ljubljana
Classification: Likely pathogenic for Cardiac anomalies - developmental delay - facial dysmorphism syndrome. Last evaluated: 2019-10-03. Review status: criteria provided, single submitter. Criteria: ACMG Guidelines, 2015. Collection method: clinical testing. Allele origin: unknown. Affected: yes.
Comment: This variant was classified as: Likely pathogenic. The following ACMG criteria were applied in classifying this variant: PVS1,PM2.